The following is an entry in ClinVar:

ClinVar aggregate classification (germline): Conflicting classifications of pathogenicity. Review status: criteria provided, conflicting classifications (1 of 4 stars). 3 submissions from 3 submitters: Uncertain significance (2); Likely benign (1). Last evaluated 2025-08-29.

Conditions:
Long QT syndrome (LQTS). Identifiers: MedGen C0023976, MeSH D008133, MONDO:0002442. Disease mechanism: loss of function. Inheritance: Various modes of inheritance.
Long QT syndrome 11 (LQT11). Identifiers: Orphanet 101016, Orphanet 768, MedGen C2678483, MONDO:0012738, OMIM 611820.
Cardiovascular phenotype. Identifiers: MedGen CN230736.

Allele frequency attached by ClinVar (database versions not stated): ExAC 0.00002; gnomAD exomes 0.00003 and 0.00004; TOPMed 0.00003; gnomAD 0.00005; ESP Exome Variant Server 0.00008.
gnomAD v4.1: 69 of 1,610,680 alleles (0.0043%); highest among the groups gnomAD compares: Non-Finnish European, 0.0056%; no homozygotes.

Submissions (3):

Labcorp Genetics (formerly Invitae), Labcorp
Classification: Uncertain significance for Long QT syndrome. Last evaluated: 2025-08-29. Review status: criteria provided, single submitter. Criteria: Invitae Variant Classification Sherloc (09022015). Collection method: clinical testing. Allele origin: germline.
Comment: This sequence change replaces methionine, which is neutral and non-polar, with isoleucine, which is neutral and non-polar, at codon 2065 of the AKAP9 protein (p.Met2065Ile). This variant is present in population databases (rs369212896, gnomAD 0.005%). This missense change has been observed in individual(s) with suspected long QT syndrome (PMID: 30847666). ClinVar contains an entry for this variant (Variation ID: 1403513). An algorithm developed to predict the effect of missense changes on protein structure and function (PolyPhen-2) suggests that this variant is likely to be tolerated. In summary, the available evidence is currently insufficient to determine the role of this variant in disease. Therefore, it has been classified as a Variant of Uncertain Significance.

Ambry Genetics
Classification: Likely benign for Cardiovascular phenotype. Last evaluated: 2025-03-06. Review status: criteria provided, single submitter. Criteria: Ambry Variant Classification Scheme 2023. Collection method: clinical testing. Allele origin: germline.

Fulgent Genetics
Classification: Uncertain significance for Long QT syndrome 11. Last evaluated: 2021-09-01. Review status: criteria provided, single submitter. Criteria: ACMG Guidelines, 2015. Collection method: clinical testing. Allele origin: unknown.

Literature cited by the submitters: PubMed 30847666 (cited by Labcorp Genetics (formerly Invitae), Labcorp and Ambry Genetics); PubMed 26272908 (cited by Ambry Genetics).

NM_005751.5(AKAP9):c.6195G>A (p.Met2065Ile)

Gene: AKAP9 (A-kinase anchoring protein 9; plus strand). Cytogenetic location: 7q21.2.
Variant type: single nucleotide variant.
Coding change: c.6195G>A on transcript NM_005751.5 (MANE Select); coding-DNA position 6195, G replaced by A.
Protein change: p.Met2065Ile; replaces methionine 2065 with isoleucine.
Molecular consequence: missense variant.
Genome position (GRCh38, 1-based): chr7:92,065,448, G>A. VCF-style: chr7-92065448-G-A. GRCh37 (hg19) VCF-style: chr7-91694762-G-A.
Other names: c.840G>A, p.Met280Ile (NM_001379277.1); c.6195G>A, p.Met2065Ile (NM_147185.3); short protein forms M280I, M2065I.
Identifiers: ClinVar variation 1403513 (VCV001403513.13), dbSNP rs369212896, ClinGen allele CA4337010.